The following is an entry in ClinVar:

NM_000518.5(HBB):c.316-189A>G

Genes: HBB (hemoglobin subunit beta; minus strand), LOC107133510 (origin of replication at HBB; plus strand), LOC110006319 (beta-globin gene 3' regulatory region; plus strand). Cytogenetic location: 11p15.4.
Variant type: single nucleotide variant.
Coding change: c.316-189A>G on transcript NM_000518.5 (MANE Select); 189 bases into the intron before coding-DNA position 316, A replaced by G.
Molecular consequence: intron variant.
Genome position (GRCh38, 1-based): chr11:5,225,915, T>C on the plus strand (A>G on the coding strand, the complement: HBB is on the minus strand). VCF-style: chr11-5225915-T-C. GRCh37 (hg19) VCF-style: chr11-5247145-T-C.
Identifiers: ClinVar variation 495992 (VCV000495992.19), dbSNP rs1034207896, ClinGen allele CA217113016.

ClinVar aggregate classification (germline): Conflicting classifications of pathogenicity. Review status: criteria provided, conflicting classifications (1 of 4 stars). 3 submissions from 3 submitters: Uncertain significance (1); Likely benign (2). Last evaluated 2024-12-12.

Allele frequency attached by ClinVar (database versions not stated): gnomAD 0.00006; TOPMed 0.00007.
gnomAD v4.1: 9 of 152,194 alleles (0.0059%); highest among the groups gnomAD compares: African/African-American, 0.022%; 1 homozygote.

Submissions (3):

Women's Health and Genetics/Laboratory Corporation of America, LabCorp
Classification: Likely benign. Last evaluated: 2024-12-12. Review status: criteria provided, single submitter. Criteria: LabCorp Variant Classification Summary - May 2015. Collection method: clinical testing. Allele origin: germline.

Quest Diagnostics Nichols Institute San Juan Capistrano
Classification: Uncertain significance. Last evaluated: 2024-03-29. Review status: criteria provided, single submitter. Criteria: Quest Diagnostics criteria. Collection method: clinical testing. Allele origin: unknown.
Comment: The HBB c.316-189A>G variant has not been reported in individuals with HBB-related conditions in the published literature. It also has not been reported in large, multi-ethnic general populations (Genome Aggregation Database). Analysis of this variant using software algorithms for the prediction of the effect of nucleotide changes on splicing yielded predictions that this variant does not affect HBB mRNA splicing. Based on the available information, we are unable to determine the clinical significance of this variant.

Labcorp Genetics (formerly Invitae), Labcorp
Classification: Likely benign. Last evaluated: 2023-11-24. Review status: criteria provided, single submitter. Criteria: Invitae Variant Classification Sherloc (09022015). Collection method: clinical testing. Allele origin: germline.